The following is an entry in ClinVar:

NM_001283009.2(RTEL1):c.2488A>G (p.Arg830Gly)

Genes: RTEL1 (regulator of telomere elongation helicase 1; plus strand), RTEL1-TNFRSF6B (RTEL1-TNFRSF6B readthrough (NMD candidate); plus strand). Cytogenetic location: 20q13.33.
Variant type: single nucleotide variant.
Coding change: c.2488A>G on transcript NM_001283009.2 (MANE Select); coding-DNA position 2488, A replaced by G.
Protein change: p.Arg830Gly; replaces arginine 830 with glycine.
Molecular consequence: missense variant. On other transcripts: non-coding transcript variant (1).
Genome position (GRCh38, 1-based): chr20:63,690,879, A>G. VCF-style: chr20-63690879-A-G. GRCh37 (hg19) VCF-style: chr20-62322232-A-G.
Other names: c.1819A>G, p.Arg607Gly (NM_001283010.1); c.2488A>G, p.Arg830Gly (NM_016434.4); c.2560A>G, p.Arg854Gly (NM_032957.5); short protein forms R607G, R830G, R854G.
Identifiers: ClinVar variation 4629535 (VCV004629535.1).

ClinVar aggregate classification (germline): Uncertain significance (1 of 4 stars; one submission).

Conditions:
Inborn genetic diseases. Identifiers: MedGen C0950123, MeSH D030342.

Submission:

Ambry Genetics
Classification: Uncertain significance for Inborn genetic diseases. Last evaluated: 2025-10-09. Review status: criteria provided, single submitter. Criteria: Ambry Variant Classification Scheme 2023. Collection method: clinical testing. Allele origin: germline.
Comment: The p.R830G variant (also known as c.2488A>G), located in coding exon 26 of the RTEL1 gene, results from an A to G substitution at nucleotide position 2488. The arginine at codon 830 is replaced by glycine, an amino acid with dissimilar properties. This amino acid position is conserved. In addition, this alteration is predicted to be tolerated by in silico analysis. Based on the available evidence, the clinical significance of this variant remains unclear.